The following is an entry in ClinVar:

ClinVar aggregate classification (germline): Uncertain significance (1 of 4 stars; one submission).

Conditions:
Familial hemophagocytic lymphohistiocytosis 5. Also called: STXBP2-Related Familial Hemophagocytic Lymphohistiocytosis (STXBP2-fHLH). Identifiers: Orphanet 540, MedGen C2751293, MONDO:0013135, OMIM 613101.

Allele frequency attached by ClinVar (database versions not stated): gnomAD exomes 0.00001; ExAC 0.00003.

Submission:

Labcorp Genetics (formerly Invitae), Labcorp
Classification: Uncertain significance for Hemophagocytic lymphohistiocytosis, familial, 5. Last evaluated: 2019-04-24. Review status: criteria provided, single submitter. Criteria: Invitae Variant Classification Sherloc (09022015). Collection method: clinical testing. Allele origin: germline.
Comment: This sequence change replaces serine with cysteine at codon 457 of the STXBP2 protein (p.Ser457Cys). The serine residue is weakly conserved and there is a moderate physicochemical difference between serine and cysteine. This variant is present in population databases (rs767692438, ExAC 0.003%). This variant has not been reported in the literature in individuals with STXBP2-related conditions. Algorithms developed to predict the effect of missense changes on protein structure and function (SIFT, PolyPhen-2, Align-GVGD) all suggest that this variant is likely to be tolerated, but these predictions have not been confirmed by published functional studies and their clinical significance is uncertain. In summary, the available evidence is currently insufficient to determine the role of this variant in disease. Therefore, it has been classified as a Variant of Uncertain Significance.

NM_006949.4(STXBP2):c.1370C>G (p.Ser457Cys)

Gene: STXBP2 (syntaxin binding protein 2; plus strand). Cytogenetic location: 19p13.2.
Variant type: single nucleotide variant.
Coding change: c.1370C>G on transcript NM_006949.4 (MANE Select); coding-DNA position 1370, C replaced by G.
Protein change: p.Ser457Cys; replaces serine 457 with cysteine.
Molecular consequence: missense variant. On other transcripts: non-coding transcript variant (1).
Genome position (GRCh38, 1-based): chr19:7,646,262, C>G. VCF-style: chr19-7646262-C-G. GRCh37 (hg19) VCF-style: chr19-7711148-C-G.
Other names: c.1361C>G, p.Ser454Cys (NM_001127396.3); c.1403C>G, p.Ser468Cys (NM_001272034.2); short protein forms S454C, S457C, S468C.
Identifiers: ClinVar variation 845820 (VCV000845820.1), dbSNP rs767692438, ClinGen allele CA9144131.